The following is an entry in ClinVar:

ClinVar aggregate classification (germline): Uncertain significance. Review status: criteria provided, multiple submitters, no conflicts (2 of 4 stars). 3 submissions from 3 submitters: Uncertain significance (3). Last evaluated 2025-03-04.

Conditions:
Hereditary cancer-predisposing syndrome. Also called: Hereditary neoplastic syndrome; Neoplastic Syndromes, Hereditary; Tumor predisposition; Hereditary Cancer Syndrome. Identifiers: Orphanet 140162, MedGen C0027672, MeSH D009386, MONDO:0015356.

gnomAD v4.1: 2 of 1,605,736 alleles (0.00012%); highest among the groups gnomAD compares: South Asian, 0.0011%; no homozygotes.

Submissions (3):

Center for Genomic Medicine, Rigshospitalet, Copenhagen University Hospital
Classification: Uncertain significance. Last evaluated: 2025-03-04. Review status: criteria provided, single submitter. Criteria: ACMG Guidelines, 2015. Collection method: clinical testing. Allele origin: germline.

Labcorp Genetics (formerly Invitae), Labcorp
Classification: Uncertain significance. Last evaluated: 2024-09-12. Review status: criteria provided, single submitter. Criteria: Invitae Variant Classification Sherloc (09022015). Collection method: clinical testing. Allele origin: germline.
Comment: This sequence change replaces leucine, which is neutral and non-polar, with proline, which is neutral and non-polar, at codon 305 of the NTHL1 protein (p.Leu305Pro). This variant is not present in population databases (gnomAD no frequency). This variant has not been reported in the literature in individuals affected with NTHL1-related conditions. ClinVar contains an entry for this variant (Variation ID: 1510165). An algorithm developed to predict the effect of missense changes on protein structure and function (PolyPhen-2) suggests that this variant is likely to be disruptive. In summary, the available evidence is currently insufficient to determine the role of this variant in disease. Therefore, it has been classified as a Variant of Uncertain Significance.

Ambry Genetics
Classification: Uncertain significance for Hereditary cancer-predisposing syndrome. Last evaluated: 2023-09-15. Review status: criteria provided, single submitter. Criteria: Ambry Variant Classification Scheme 2023. Collection method: clinical testing. Allele origin: germline.
Comment: The p.L305P variant (also known as c.914T>C), located in coding exon 6 of the NTHL1 gene, results from a T to C substitution at nucleotide position 914. The leucine at codon 305 is replaced by proline, an amino acid with similar properties. This amino acid position is not well conserved in available vertebrate species. In addition, the in silico prediction for this alteration is inconclusive. Since supporting evidence is limited at this time, the clinical significance of this alteration remains unclear.

NM_002528.7(NTHL1):c.890T>C (p.Leu297Pro)

Gene: NTHL1 (nth like DNA glycosylase 1; minus strand). Cytogenetic location: 16p13.3.
Variant type: single nucleotide variant.
Coding change: c.890T>C on transcript NM_002528.7 (MANE Select); coding-DNA position 890, T replaced by C.
Protein change: p.Leu297Pro; replaces leucine 297 with proline.
Molecular consequence: missense variant.
Genome position (GRCh38, 1-based): chr16:2,039,949, A>G on the plus strand (T>C on the coding strand, the complement: NTHL1 is on the minus strand). VCF-style: chr16-2039949-A-G. GRCh37 (hg19) VCF-style: chr16-2089950-A-G.
Other names: c.719T>C, p.Leu240Pro (NM_001318193.2); c.560T>C, p.Leu187Pro (NM_001318194.2); short protein forms L187P, L297P, L240P.
Identifiers: ClinVar variation 1510165 (VCV001510165.11), dbSNP rs2150937774, ClinGen allele CA394287037.